The following is an entry in ClinVar:

NM_006554.5(MTX2):c.601C>T (p.Pro201Ser)

Gene: MTX2 (metaxin 2; plus strand). Cytogenetic location: 2q31.1.
Variant type: single nucleotide variant.
Coding change: c.601C>T on transcript NM_006554.5 (MANE Select); coding-DNA position 601, C replaced by T.
Protein change: p.Pro201Ser; replaces proline 201 with serine.
Molecular consequence: missense variant. On other transcripts: intron variant (1).
Genome position (GRCh38, 1-based): chr2:176,330,641, C>T. VCF-style: chr2-176330641-C-T. GRCh37 (hg19) VCF-style: chr2-177195369-C-T.
Other names: c.571C>T, p.Pro191Ser (NM_001006635.3); c.532C>T, p.Pro178Ser (NM_001319097.2); c.543+1215C>T (NM_001319098.2); short protein forms P201S, P178S, P191S.
Identifiers: ClinVar variation 3296814 (VCV003296814.2).

ClinVar aggregate classification (germline): Uncertain significance. Review status: criteria provided, multiple submitters, no conflicts (2 of 4 stars). 2 submissions from 2 submitters: Uncertain significance (2). Last evaluated 2026-03-06.

Conditions:
MTX2-related condition.

gnomAD v4.1: 71 of 1,591,824 alleles (0.0045%); highest among the groups gnomAD compares: East Asian, 0.065%; 1 homozygote.

Submissions (2):

PreventionGenetics, part of Exact Sciences
Classification: Uncertain significance for MTX2-related condition. Last evaluated: 2026-03-06. Review status: criteria provided, single submitter. Criteria: ACMG Guidelines, 2015. Collection method: clinical testing. Allele origin: germline.
Comment: The MTX2 c.601C>T variant is predicted to result in the amino acid substitution p.Pro201Ser. To our knowledge, this variant has not been reported in the literature. This variant is reported in 0.14% of alleles in individuals of East Asian descent in gnomAD. Although we suspect that this variant may be benign, at this time, the clinical significance of this variant is uncertain due to the absence of conclusive functional and genetic evidence.

Ambry Genetics
Classification: Uncertain significance. Last evaluated: 2024-03-16. Review status: criteria provided, single submitter. Criteria: Ambry Variant Classification Scheme 2023. Collection method: clinical testing. Allele origin: germline.